The following is an entry in ClinVar:

ClinVar aggregate classification (germline): Uncertain significance (1 of 4 stars; one submission).

Allele frequency attached by ClinVar (database versions not stated): ExAC 0.00003; TOPMed 0.00008; gnomAD 0.00009; gnomAD exomes 0.00009.
gnomAD v4.1: 142 of 1,613,844 alleles (0.0088%); highest among the groups gnomAD compares: Non-Finnish European, 0.011%; no homozygotes.

Submission:

GeneDx
Classification: Uncertain significance. Last evaluated: 2022-08-15. Review status: criteria provided, single submitter. Criteria: GeneDx Variant Classification Process June 2021. Collection method: clinical testing. Allele origin: germline. Affected: yes.
Comment: Previously reported as T267I using alternative nomenclature, in the heterozygous state in a patient with Parkinson disease and lewy-body dementia (Goker-Alpan et al., 2010); In silico analysis supports that this missense variant does not alter protein structure/function; Also known as p.(T267I); This variant is associated with the following publications: (PMID: 17875915, 21700325, 16790605, 29966168, 17384215, 20838799, 29124790, 29378790, 29140481, 19433657)

NM_000157.4(GBA1):c.917C>T (p.Thr306Ile)

Genes: GBA1 (glucosylceramidase beta 1; minus strand), LOC106627981 (GBA recombination region; plus strand). Cytogenetic location: 1q22.
Variant type: single nucleotide variant.
Coding change: c.917C>T on transcript NM_000157.4 (MANE Select); coding-DNA position 917, C replaced by T.
Protein change: p.Thr306Ile; replaces threonine 306 with isoleucine.
Molecular consequence: missense variant.
Genome position (GRCh38, 1-based): chr1:155,237,423, G>A on the plus strand (C>T on the coding strand, the complement: GBA1 is on the minus strand). VCF-style: chr1-155237423-G-A. GRCh37 (hg19) VCF-style: chr1-155207214-G-A.
Other names: c.917C>T, p.Thr306Ile (NM_001005741.3, NM_001005742.3); c.656C>T, p.Thr219Ile (NM_001171811.2); c.770C>T, p.Thr257Ile (NM_001171812.2); short protein forms T219I, T257I, T306I.
Identifiers: ClinVar variation 2430567 (VCV002430567.1), dbSNP rs199628072, ClinGen allele CA1141662.
Genomic context (GRCh38, chr1:155,237,423, plus strand): 5'-AGCAAGCGTTGGTCATCCAGCATGAGTAGGCGGACATTGTGGTGAGTACTGTTGGCGAGG[G>A]TAGGACCTAGGTCACGGGCAATGAAGTCTCGCTGATGTTCAGGGGTGAAGCCCAGGCACT-3'
Protein context (NP_000148.2, residues 296-316): RDFIARDLGP[Thr306Ile]LANSTHHNVR